The following is an entry in ClinVar:

NM_206933.4(USH2A):c.6096A>G (p.Leu2032=)

Gene: USH2A (usherin; minus strand). Cytogenetic location: 1q41.
Variant type: single nucleotide variant.
Coding change: c.6096A>G on transcript NM_206933.4 (MANE Select); coding-DNA position 6096, A replaced by G.
Protein change: p.Leu2032=; no amino-acid change (leucine 2032 retained).
Molecular consequence: synonymous variant.
Genome position (GRCh38, 1-based): chr1:216,048,601, T>C on the plus strand (A>G on the coding strand, the complement: USH2A is on the minus strand). VCF-style: chr1-216048601-T-C. GRCh37 (hg19) VCF-style: chr1-216221943-T-C.
Identifiers: ClinVar variation 730736 (VCV000730736.14), dbSNP rs376669318, ClinGen allele CA1395236.
Genomic context (GRCh38, chr1:216,048,601, plus strand): 5'-TGGAGTAGAGATGTTCAATGCATGTGAGCTCTCAGTACAGCCAGCCAAAGTGCAAGCAGT[T>C]AGGGTTACTGCATAGTTTTTGAAGGGTAGCAAGCCTGTCAATATGCCTATAATAAAAAGG-3'
Protein context (NP_996816.3, residues 2022-2042): LLPFKNYAVT[Leu2032=]TACTLAGCTE

ClinVar aggregate classification (germline): Likely benign. Review status: criteria provided, multiple submitters, no conflicts (2 of 4 stars). 4 submissions from 4 submitters: Likely benign (2). 2 of the submissions do not count toward it. Last evaluated 2025-12-16.

Conditions:
Usher syndrome type 2A. Also called: RETINAL DISEASE IN USHER SYNDROME TYPE IIA, MODIFIER OF; USHER SYNDROME, TYPE IIA. Identifiers: Orphanet 231178, Orphanet 886, MedGen C1848634, MONDO:0010169, OMIM 276901.
USH2A-related disorder. Also called: USH2A-related disorders; USH2A-related condition. Identifiers: MedGen CN239332.

Allele frequency attached by ClinVar (database versions not stated): TOPMed 0.00002; gnomAD 0.00004 and 0.00005; gnomAD exomes 0.00004; ExAC 0.00007; ESP Exome Variant Server 0.00008; 1000 Genomes Project 30x 0.00031; 1000 Genomes Project 0.00040.
gnomAD v4.1: 67 of 1,614,096 alleles (0.0042%); highest among the groups gnomAD compares: South Asian, 0.032%; no homozygotes.

Submissions (4):

Labcorp Genetics (formerly Invitae), Labcorp
Classification: Likely benign. Last evaluated: 2025-12-16. Review status: criteria provided, single submitter. Criteria: Invitae Variant Classification Sherloc (09022015). Collection method: clinical testing. Allele origin: germline.

Blueprint Genetics
Classification: Likely benign. Last evaluated: 2023-09-05. Review status: criteria provided, single submitter. Criteria: ACMG Guidelines, 2015. Collection method: clinical testing. Allele origin: germline.

PreventionGenetics, part of Exact Sciences
Classification: Likely benign for USH2A-related condition. Last evaluated: 2024-08-22. Review status: no assertion criteria provided. Collection method: clinical testing. Allele origin: germline. Not counted in ClinVar's aggregate classification.
Comment: This variant is classified as likely benign based on ACMG/AMP sequence variant interpretation guidelines (Richards et al. 2015 PMID: 25741868, with internal and published modifications).

Natera, Inc.
Classification: Likely benign for Usher syndrome type 2A. Last evaluated: 2020-04-30. Review status: no assertion criteria provided. Collection method: clinical testing. Allele origin: germline. Not counted in ClinVar's aggregate classification.